The following is an entry in ClinVar:

NM_013382.7(POMT2):c.989A>G (p.Asn330Ser)

Gene: POMT2 (protein O-mannosyltransferase 2; minus strand). Cytogenetic location: 14q24.3.
Variant type: single nucleotide variant.
Coding change: c.989A>G on transcript NM_013382.7 (MANE Select); coding-DNA position 989, A replaced by G.
Protein change: p.Asn330Ser; replaces asparagine 330 with serine.
Molecular consequence: missense variant.
Genome position (GRCh38, 1-based): chr14:77,298,706, T>C on the plus strand (A>G on the coding strand, the complement: POMT2 is on the minus strand). VCF-style: chr14-77298706-T-C. GRCh37 (hg19) VCF-style: chr14-77765049-T-C.
Other names: short protein forms N330S.
Identifiers: ClinVar variation 2168157 (VCV002168157.2), dbSNP rs778138973, ClinGen allele CA7286025.

ClinVar aggregate classification (germline): Uncertain significance. Review status: criteria provided, multiple submitters, no conflicts (2 of 4 stars). 2 submissions from 2 submitters: Uncertain significance (2). Last evaluated 2023-12-21.

Conditions:
Muscular dystrophy-dystroglycanopathy (congenital with impaired intellectual development), type B, 2. Also called: Muscular dystrophy-dystroglycanopathy (congenital with intellectual disability), type B2; MUSCULAR DYSTROPHY, CONGENITAL, POMT2-RELATED. Identifiers: MedGen C3150416, MONDO:0013160, OMIM 613156.
Autosomal recessive limb-girdle muscular dystrophy type 2N. Also called: MUSCULAR DYSTROPHY-DYSTROGLYCANOPATHY, LIMB-GIRDLE, POMT2-RELATED; Muscular dystrophy-dystroglycanopathy (limb-girdle), type C, 2. Identifiers: Orphanet 206559, MedGen C3150418, MONDO:0013162, OMIM 613158.
Muscular dystrophy-dystroglycanopathy (congenital with brain and eye anomalies), type A2. Also called: MUSCULAR DYSTROPHY-DYSTROGLYCANOPATHY (CONGENITAL WITH BRAIN AND EYE ANOMALIES), TYPE A, 2; WALKER-WARBURG SYNDROME OR MUSCLE-EYE-BRAIN DISEASE, POMT2-RELATED. Identifiers: Orphanet 588, Orphanet 899, MedGen C3150411, MONDO:0013154, OMIM 613150.
Inborn genetic diseases. Identifiers: MedGen C0950123, MeSH D030342.

Allele frequency attached by ClinVar (database versions not stated): ExAC 0.00001; gnomAD 0.00002.
gnomAD v4.1: 9 of 1,613,640 alleles (0.00056%); highest among the groups gnomAD compares: South Asian, 0.0011%; no homozygotes.

Submissions (2):

Ambry Genetics
Classification: Uncertain significance for Inborn genetic diseases. Last evaluated: 2023-12-21. Review status: criteria provided, single submitter. Criteria: Ambry Variant Classification Scheme 2023. Collection method: clinical testing. Allele origin: germline.

Labcorp Genetics (formerly Invitae), Labcorp
Classification: Uncertain significance for Muscular dystrophy-dystroglycanopathy (congenital with impaired intellectual development), type B, 2; Muscular dystrophy-dystroglycanopathy (congenital with brain and eye anomalies), type A2; Autosomal recessive limb-girdle muscular dystrophy type 2N. Last evaluated: 2022-01-02. Review status: criteria provided, single submitter. Criteria: Invitae Variant Classification Sherloc (09022015). Collection method: clinical testing. Allele origin: germline.
Comment: This sequence change replaces asparagine, which is neutral and polar, with serine, which is neutral and polar, at codon 330 of the POMT2 protein (p.Asn330Ser). This variant is present in population databases (rs778138973, gnomAD 0.009%). This variant has not been reported in the literature in individuals affected with POMT2-related conditions. Algorithms developed to predict the effect of missense changes on protein structure and function (SIFT, PolyPhen-2, Align-GVGD) all suggest that this variant is likely to be tolerated. In summary, the available evidence is currently insufficient to determine the role of this variant in disease. Therefore, it has been classified as a Variant of Uncertain Significance.